The following is an entry in ClinVar:

ClinVar aggregate classification (germline): Pathogenic (1 of 4 stars; one submission).

Conditions:
Fanconi anemia complementation group O. Also called: RAD51C-Related Fanconi Anemia. Identifiers: Orphanet 84, MedGen C3150653, MONDO:0013248, OMIM 613390.

Submission:

Labcorp Genetics (formerly Invitae), Labcorp
Classification: Pathogenic for Fanconi anemia complementation group O. Last evaluated: 2026-01-10. Review status: criteria provided, single submitter. Criteria: Invitae Variant Classification Sherloc (09022015). Collection method: clinical testing. Allele origin: germline.
Comment: This sequence change creates a premature translational stop signal (p.Ile158Tyrfs*2) in the RAD51C gene. It is expected to result in an absent or disrupted protein product. Loss-of-function variants in RAD51C are known to be pathogenic (PMID: 20400964, 21990120, 24800917, 29278735). This variant is not present in population databases (gnomAD no frequency). This variant has not been reported in the literature in individuals affected with RAD51C-related conditions. For these reasons, this variant has been classified as Pathogenic.

Literature cited by the submitters: PubMed 20400964; PubMed 21990120; PubMed 24800917; PubMed 29278735.

NM_058216.3(RAD51C):c.471dup (p.Ile158fs)

Gene: RAD51C (RAD51 paralog C; plus strand). Cytogenetic location: 17q22.
Variant type: Duplication.
Coding change: c.471dup on transcript NM_058216.3 (MANE Select); coding-DNA position 471, one base duplicated (T; older notation c.471dupT).
Protein change: p.Ile158fs; shifts the reading frame from isoleucine 158.
Molecular consequence: frameshift variant.
Genome position (GRCh38, 1-based): chr17:58,696,759, T duplicated; the last of 5 consecutive T bases (chr17:58,696,755-58,696,759); duplicating any one gives the same sequence. VCF-style (leftmost placement, unchanged base first): chr17-58696754-G-GT. GRCh37 (hg19) VCF-style: chr17-56774115-G-GT.
Other names: short protein forms I158fs.
Identifiers: ClinVar variation 4797929 (VCV004797929.1).